The following is an entry in ClinVar:

NM_001029883.3(PCARE):c.1174C>T (p.Gln392Ter)

Gene: PCARE (photoreceptor cilium actin regulator; minus strand). Cytogenetic location: 2p23.2.
Variant type: single nucleotide variant.
Coding change: c.1174C>T on transcript NM_001029883.3 (MANE Select); coding-DNA position 1174, C replaced by T.
Protein change: p.Gln392Ter; replaces glutamine 392 with a stop codon.
Molecular consequence: nonsense.
Genome position (GRCh38, 1-based): chr2:29,073,088, G>A on the plus strand (C>T on the coding strand, the complement: PCARE is on the minus strand). VCF-style: chr2-29073088-G-A. GRCh37 (hg19) VCF-style: chr2-29295954-G-A.
Other names: short protein forms Q392*.
Identifiers: ClinVar variation 1390950 (VCV001390950.6), dbSNP rs2148416488, ClinGen allele CA346480745.

ClinVar aggregate classification (germline): Pathogenic (1 of 4 stars; one submission).

Submission:

Labcorp Genetics (formerly Invitae), Labcorp
Classification: Pathogenic. Last evaluated: 2021-08-17. Review status: criteria provided, single submitter. Criteria: Invitae Variant Classification Sherloc (09022015). Collection method: clinical testing. Allele origin: germline.
Comment: For these reasons, this variant has been classified as Pathogenic. Algorithms developed to predict the effect of sequence changes on RNA splicing suggest that this variant may create or strengthen a splice site. This variant has not been reported in the literature in individuals affected with PCARE-related conditions. This variant is not present in population databases (ExAC no frequency). This sequence change creates a premature translational stop signal (p.Gln392*) in the PCARE gene. It is expected to result in an absent or disrupted protein product. Loss-of-function variants in PCARE are known to be pathogenic (PMID: 20398886, 24339724, 26496393).

Literature cited by the submitters: PubMed 20398886; PubMed 24339724; PubMed 26496393.